The following is an entry in ClinVar:

NM_005619.5(RTN2):c.1233C>G (p.Asn411Lys)

Genes: OPA3-RTN2 (OPA3-RTN2 readthrough; minus strand), RTN2 (reticulon 2; minus strand). Cytogenetic location: 19q13.32.
Variant type: single nucleotide variant.
Coding change: c.1233C>G on transcript NM_005619.5 (MANE Select); coding-DNA position 1233, C replaced by G.
Protein change: p.Asn411Lys; replaces asparagine 411 with lysine.
Molecular consequence: missense variant.
Genome position (GRCh38, 1-based): chr19:45,489,354, G>C on the plus strand (C>G on the coding strand, the complement: RTN2 is on the minus strand). VCF-style: chr19-45489354-G-C. GRCh37 (hg19) VCF-style: chr19-45992612-G-C.
Other names: c.1014C>G, p.Asn338Lys (NM_206900.3); c.213C>G, p.Asn71Lys (NM_206901.3); short protein forms N338K, N71K, N411K.
Identifiers: ClinVar variation 649250 (VCV000649250.8), dbSNP rs868042088, ClinGen allele CA406356063.

ClinVar aggregate classification (germline): Uncertain significance (1 of 4 stars; one submission).

Conditions:
Spastic paraplegia. Identifiers: MedGen C0037772, HP:0001258.

Allele frequency attached by ClinVar (database versions not stated): gnomAD exomes below 0.00001 and 0.00001; gnomAD 0.00002; TOPMed 0.00002.

Submission:

Labcorp Genetics (formerly Invitae), Labcorp
Classification: Uncertain significance for Spastic paraplegia. Last evaluated: 2022-02-03. Review status: criteria provided, single submitter. Criteria: Invitae Variant Classification Sherloc (09022015). Collection method: clinical testing. Allele origin: germline.
Comment: The frequency data for this variant in the population databases is considered unreliable, as metrics indicate poor data quality at this position in the gnomAD database. This sequence change replaces asparagine, which is neutral and polar, with lysine, which is basic and polar, at codon 411 of the RTN2 protein (p.Asn411Lys). This variant has not been reported in the literature in individuals affected with RTN2-related conditions. In summary, the available evidence is currently insufficient to determine the role of this variant in disease. Therefore, it has been classified as a Variant of Uncertain Significance. Algorithms developed to predict the effect of missense changes on protein structure and function are either unavailable or do not agree on the potential impact of this missense change (SIFT: "Tolerated"; PolyPhen-2: "Possibly Damaging"; Align-GVGD: "Class C0"). ClinVar contains an entry for this variant (Variation ID: 649250).